The following is an entry in ClinVar:

ClinVar aggregate classification (germline): Likely benign. Review status: criteria provided, multiple submitters, no conflicts (2 of 4 stars). 3 submissions from 3 submitters: Likely benign (2). 1 of the submissions does not count toward it. Last evaluated 2025-04-27.

Conditions:
MED25-related disorder. Also called: MED25-related condition.
Charcot-Marie-Tooth disease type 2. Also called: Charcot-Marie-Tooth type 2. Identifiers: Orphanet 64746, MedGen C0270914, MONDO:0018993.

Allele frequency attached by ClinVar (database versions not stated): 1000 Genomes Project 0.00080; gnomAD 0.00001 and 0.00023; TOPMed 0.00001; 1000 Genomes Project 30x 0.00109; ExAC 0.00073.
gnomAD v4.1: 571 of 1,614,174 alleles (0.035%); highest among the groups gnomAD compares: South Asian, 0.6%; 11 homozygotes.

Submissions (3):

Labcorp Genetics (formerly Invitae), Labcorp
Classification: Likely benign for Charcot-Marie-Tooth disease type 2. Last evaluated: 2025-04-27. Review status: criteria provided, single submitter. Criteria: Invitae Variant Classification Sherloc (09022015). Collection method: clinical testing. Allele origin: germline.

Genetic Services Laboratory, University of Chicago
Classification: Likely benign. Last evaluated: 2019-10-30. Review status: criteria provided, single submitter. Criteria: ACMG Guidelines, 2015. Collection method: clinical testing. Allele origin: germline. Affected: no.

PreventionGenetics, part of Exact Sciences
Classification: Likely benign for MED25-related condition. Last evaluated: 2020-03-13. Review status: no assertion criteria provided. Collection method: clinical testing. Allele origin: germline. Not counted in ClinVar's aggregate classification.
Comment: This variant is classified as likely benign based on ACMG/AMP sequence variant interpretation guidelines (Richards et al. 2015 PMID: 25741868, with internal and published modifications).

NM_030973.4(MED25):c.275A>T (p.Tyr92Phe)

Gene: MED25 (mediator complex subunit 25; plus strand). Cytogenetic location: 19q13.33.
Variant type: single nucleotide variant.
Coding change: c.275A>T on transcript NM_030973.4 (MANE Select); coding-DNA position 275, A replaced by T.
Protein change: p.Tyr92Phe; replaces tyrosine 92 with phenylalanine.
Molecular consequence: missense variant.
Genome position (GRCh38, 1-based): chr19:49,819,266, A>T. VCF-style: chr19-49819266-A-T. GRCh37 (hg19) VCF-style: chr19-50322523-A-T.
Other names: c.275A>T, p.Tyr92Phe (NM_001378355.1); short protein forms Y92F.
Identifiers: ClinVar variation 698949 (VCV000698949.16), dbSNP rs549136898, ClinGen allele CA9584776.
Genomic context (GRCh38, chr19:49,819,266, plus strand): 5'-ACACAGTGGACTGCGCTCCCGAGTCCTACGTACAATGTCACGCTCCCACCAGCAGCGCCT[A>T]TGAGTTTGTCACCTGGCTCGATGGCATTAAGTGAGCTTTCCCCCACTTGGGGTGGGTTGC-3'
Protein context (NP_112235.2, residues 82-102): VQCHAPTSSA[Tyr92Phe]EFVTWLDGIK